The following is an entry in ClinVar:

ClinVar aggregate classification (germline): Uncertain significance. Review status: criteria provided, multiple submitters, no conflicts (2 of 4 stars). 3 submissions from 3 submitters: Uncertain significance (3). Last evaluated 2025-12-23.

Conditions:
Hypertrophic cardiomyopathy. Also called: HYPERTROPHIC MYOCARDIOPATHY. Identifiers: Orphanet 217569, MedGen C0007194, MeSH D002312, MONDO:0005045, HP:0001639.
Cardiovascular phenotype. Identifiers: MedGen CN230736.
Cardiomyopathy (CMYO). Also called: Cardiomyopathies. Identifiers: Orphanet 167848, MedGen C0878544, MONDO:0004994, HP:0001638. Inheritance: Various modes of inheritance.

gnomAD v4.1: 1 of 1,614,220 alleles (0.000062%); highest among the groups gnomAD compares: African/African-American, 0.0013%; no homozygotes.

Submissions (3):

Ambry Genetics
Classification: Uncertain significance for Cardiovascular phenotype. Last evaluated: 2025-12-23. Review status: criteria provided, single submitter. Criteria: Ambry Variant Classification Scheme 2023. Collection method: clinical testing. Allele origin: germline.
Comment: The p.E903D variant (also known as c.2709G>T), located in coding exon 21 of the MYH7 gene, results from a G to T substitution at nucleotide position 2709. The glutamic acid at codon 903 is replaced by aspartic acid, an amino acid with highly similar properties. This variant was reported in individual(s) with features consistent with hypertrophic cardiomyopathy (Ambry internal data). This alteration is located in the myosin head domain, which contains a statistically significant clustering of pathogenic missense variants (Homburger JR et al. Proc Natl Acad Sci U S A, 2016 06;113:6701-6; Walsh R et al. Genet Med, 2017 02;19:192-203; Ambry internal data). This amino acid position is highly conserved in available vertebrate species. In addition, the in silico prediction for this alteration is inconclusive. Based on the available evidence, the clinical significance of this variant remains unclear.

Color Diagnostics, LLC DBA Color Health
Classification: Uncertain significance for Cardiomyopathy. Last evaluated: 2019-12-30. Review status: criteria provided, single submitter. Criteria: ACMG Guidelines, 2015. Collection method: clinical testing. Allele origin: germline.
Comment: This missense variant replaces glutamic acid with aspartic acid at codon 903 of the MYH7 protein. Computational prediction is inconclusive regarding the impact of this variant on protein structure and function (internally defined REVEL score threshold 0.5 < inconclusive < 0.7, PMID: 27666373). Splice site prediction tools suggest that this variant may not impact RNA splicing. To our knowledge, functional studies have not been performed for this variant. This variant has not been reported in individuals affected with cardiovascular disorders in the literature. This variant has not been identified in the general population by the Genome Aggregation Database (gnomAD). The available evidence is insufficient to determine the role of this variant in disease conclusively. Therefore, this variant is classified as a Variant of Uncertain Significance.

Labcorp Genetics (formerly Invitae), Labcorp
Classification: Uncertain significance for Hypertrophic cardiomyopathy. Last evaluated: 2019-12-23. Review status: criteria provided, single submitter. Criteria: Invitae Variant Classification Sherloc (09022015). Collection method: clinical testing. Allele origin: germline.
Comment: This variant has not been reported in the literature in individuals with MYH7-related conditions. This variant is found within a region of MYH7 between codons 181 and 937 that contains the majority of the myosin head domain. Missense variants in this region have been shown to be significantly overrepresented in individuals with hypertrophic cardiomyopathy (PMID: 27532257). In summary, the available evidence is currently insufficient to determine the role of this variant in disease. Therefore, it has been classified as a Variant of Uncertain Significance. This variant disrupts the p.Glu903 amino acid residue in MYH7. Other variant(s) that disrupt this residue have been observed in individuals with MYH7-related conditions (PMID: 25524337, 18403758), which suggests that this may be a clinically significant amino acid residue. Algorithms developed to predict the effect of missense changes on protein structure and function are either unavailable or do not agree on the potential impact of this missense change (SIFT: "Deleterious"; PolyPhen-2: "Benign"; Align-GVGD: "Class C35"). This variant is not present in population databases (ExAC no frequency). This sequence change replaces glutamic acid with aspartic acid at codon 903 of the MYH7 protein (p.Glu903Asp). The glutamic acid residue is highly conserved and there is a small physicochemical difference between glutamic acid and aspartic acid.

Literature cited by the submitters: PubMed 27532257 (cited by Labcorp Genetics (formerly Invitae), Labcorp); PubMed 25524337 (cited by Labcorp Genetics (formerly Invitae), Labcorp); PubMed 18403758 (cited by Labcorp Genetics (formerly Invitae), Labcorp).

NM_000257.4(MYH7):c.2709G>T (p.Glu903Asp)

Gene: MYH7 (myosin heavy chain 7; minus strand). Cytogenetic location: 14q11.2.
Variant type: single nucleotide variant.
Coding change: c.2709G>T on transcript NM_000257.4 (MANE Select); coding-DNA position 2709, G replaced by T.
Protein change: p.Glu903Asp; replaces glutamic acid 903 with aspartic acid.
Molecular consequence: missense variant.
Genome position (GRCh38, 1-based): chr14:23,424,120, C>A on the plus strand (G>T on the coding strand, the complement: MYH7 is on the minus strand). VCF-style: chr14-23424120-C-A. GRCh37 (hg19) VCF-style: chr14-23893329-C-A.
Other names: short protein forms E903D.
Identifiers: ClinVar variation 849092 (VCV000849092.14), dbSNP rs773468693, ClinGen allele CA389047314.